The following is an entry in ClinVar:

NM_000493.4(COL10A1):c.1502C>A (p.Ser501Tyr)

Genes: COL10A1 (collagen type X alpha 1 chain; minus strand), NT5DC1 (5'-nucleotidase domain containing 1; plus strand). Cytogenetic location: 6q22.1.
Variant type: single nucleotide variant.
Coding change: c.1502C>A on transcript NM_000493.4 (MANE Select); coding-DNA position 1502, C replaced by A.
Protein change: p.Ser501Tyr; replaces serine 501 with tyrosine.
Molecular consequence: missense variant. On other transcripts: intron variant (1).
Genome position (GRCh38, 1-based): chr6:116,120,614, G>T on the plus strand (C>A on the coding strand, the complement: COL10A1 is on the minus strand). VCF-style: chr6-116120614-G-T. GRCh37 (hg19) VCF-style: chr6-116441777-G-T.
Other names: c.1502C>A, p.Ser501Tyr (NM_001424106.1, NM_001424107.1); c.529+2669G>T (NM_152729.3); short protein forms S501Y.
Identifiers: ClinVar variation 4770789 (VCV004770789.1).

ClinVar aggregate classification (germline): Uncertain significance (1 of 4 stars; one submission).

gnomAD v4.1: 2 of 1,567,004 alleles (0.00013%); highest among the groups gnomAD compares: Admixed American, 0.002%; no homozygotes.

Submission:

Labcorp Genetics (formerly Invitae), Labcorp
Classification: Uncertain significance. Last evaluated: 2025-03-26. Review status: criteria provided, single submitter. Criteria: Invitae Variant Classification Sherloc (09022015). Collection method: clinical testing. Allele origin: germline.
Comment: This sequence change replaces serine, which is neutral and polar, with tyrosine, which is neutral and polar, at codon 501 of the COL10A1 protein (p.Ser501Tyr). This variant is not present in population databases (gnomAD no frequency). This variant has not been reported in the literature in individuals affected with COL10A1-related conditions. Invitae Evidence Modeling of protein sequence and biophysical properties (such as structural, functional, and spatial information, amino acid conservation, physicochemical variation, residue mobility, and thermodynamic stability) has been performed for this missense variant. However, the output from this modeling did not meet the statistical confidence thresholds required to predict the impact of this variant on COL10A1 protein function. In summary, the available evidence is currently insufficient to determine the role of this variant in disease. Therefore, it has been classified as a Variant of Uncertain Significance.